The following is an entry in ClinVar:

NM_144670.6(A2ML1):c.1647A>T (p.Lys549Asn)

Gene: A2ML1 (alpha-2-macroglobulin like 1; plus strand). Cytogenetic location: 12p13.31.
Variant type: single nucleotide variant.
Coding change: c.1647A>T on transcript NM_144670.6 (MANE Select); coding-DNA position 1647, A replaced by T.
Protein change: p.Lys549Asn; replaces lysine 549 with asparagine.
Molecular consequence: missense variant.
Genome position (GRCh38, 1-based): chr12:8,846,186, A>T. VCF-style: chr12-8846186-A-T. GRCh37 (hg19) VCF-style: chr12-8998782-A-T.
Other names: c.174A>T, p.Lys58Asn (NM_001282424.3); short protein forms K58N, K549N.
Identifiers: ClinVar variation 3501389 (VCV003501389.1).

ClinVar aggregate classification (germline): Uncertain significance (1 of 4 stars; one submission).

Submission:

Ambry Genetics
Classification: Uncertain significance. Last evaluated: 2024-10-19. Review status: criteria provided, single submitter. Criteria: Ambry Variant Classification Scheme 2023. Collection method: clinical testing. Allele origin: germline.
Comment: The p.K549N variant (also known as c.1647A>T), located in coding exon 14 of the A2ML1 gene, results from an A to T substitution at nucleotide position 1647. The lysine at codon 549 is replaced by asparagine, an amino acid with similar properties. This amino acid position is conserved. In addition, this alteration is predicted to be tolerated by in silico analysis. Based on the available evidence, the clinical significance of this variant remains unclear.